The following is an entry in ClinVar:

ClinVar aggregate classification (germline): Uncertain significance (1 of 4 stars; one submission).

Conditions:
Epidermolysis bullosa simplex 3, localized or generalized intermediate, with BP230 deficiency (EBS3). Also called: Epidermolysis bullosa simplex, autosomal recessive 2; Epidermolysis bullosa simplex due to BP230 deficiency. Identifiers: Orphanet 412181, MedGen C3809470, MONDO:0014180, OMIM 615425.
Hereditary sensory and autonomic neuropathy type 6. Also called: HSAN VI; Neuropathy, hereditary sensory and autonomic, type VI. Identifiers: Orphanet 314381, MedGen C3539003, MONDO:0013839, OMIM 614653.

Allele frequency attached by ClinVar (database versions not stated): ESP Exome Variant Server 0.00008; gnomAD 0.00012 and 0.00014; TOPMed 0.00014.
gnomAD v4.1: 52 of 1,614,046 alleles (0.0032%); highest among the groups gnomAD compares: African/African-American, 0.068%; no homozygotes.

Submission:

Labcorp Genetics (formerly Invitae), Labcorp
Classification: Uncertain significance for Epidermolysis bullosa simplex 3, localized or generalized intermediate, with BP230 deficiency; Hereditary sensory and autonomic neuropathy type 6. Last evaluated: 2022-09-01. Review status: criteria provided, single submitter. Criteria: Invitae Variant Classification Sherloc (09022015). Collection method: clinical testing. Allele origin: germline.
Comment: This sequence change replaces asparagine, which is neutral and polar, with isoleucine, which is neutral and non-polar, at codon 2296 of the DST protein (p.Asn2296Ile). This variant is present in population databases (rs368520236, gnomAD 0.05%). This variant has not been reported in the literature in individuals affected with DST-related conditions. ClinVar contains an entry for this variant (Variation ID: 1001642). Algorithms developed to predict the effect of missense changes on protein structure and function are either unavailable or do not agree on the potential impact of this missense change (SIFT: "Deleterious"; PolyPhen-2: "Possibly Damaging"; Align-GVGD: "Class C15"). In summary, the available evidence is currently insufficient to determine the role of this variant in disease. Therefore, it has been classified as a Variant of Uncertain Significance.

NM_001723.7(DST):c.6887A>T (p.Asn2296Ile)

Gene: DST (dystonin; minus strand). Cytogenetic location: 6p12.1.
Variant type: single nucleotide variant.
Coding change: c.6887A>T on transcript NM_001723.7 (MANE Plus Clinical); coding-DNA position 6887, A replaced by T.
Protein change: p.Asn2296Ile; replaces asparagine 2296 with isoleucine.
Molecular consequence: missense variant. On other transcripts: intron variant (10).
Genome position (GRCh38, 1-based): chr6:56,616,580, T>A on the plus strand (A>T on the coding strand, the complement: DST is on the minus strand). VCF-style: chr6-56616580-T-A. GRCh37 (hg19) VCF-style: chr6-56481378-T-A.
Other names: c.4831-2096A>T (NM_001144769.5); c.4930-2096A>T (NM_001374722.1, NM_001374736.1); c.4957-2096A>T (NM_001374734.1); c.4417-2096A>T (NM_001144770.2); c.4297-2096A>T (NM_001374730.1, NM_001386100.1, NM_183380.4 and 1 more transcripts); c.3319-2096A>T (NM_015548.5); short protein forms N2296I.
Identifiers: ClinVar variation 1001642 (VCV001001642.6), dbSNP rs368520236, ClinGen allele CA3870072.
Genomic context (GRCh38, chr6:56,616,580, plus strand): 5'-GACTCTACATCAAATACACACATTCGCAGTAATTCTGAGTAATACAGAGCTTGCTTGTTA[T>A]TGGGATTAGGGAAAACTCTTGTGTTGCTGGATGGCTCATGTAAAAACTGTAAGATGGCAT-3'
Protein context (NP_001714.1, residues 2286-2306): SSNTRVFPNP[Asn2296Ile]NKQALYYSEL